The following is an entry in ClinVar:

NM_001113378.2(FANCI):c.1418T>G (p.Val473Gly)

Gene: FANCI (FA complementation group I; plus strand). Cytogenetic location: 15q26.1.
Variant type: single nucleotide variant.
Coding change: c.1418T>G on transcript NM_001113378.2 (MANE Select); coding-DNA position 1418, T replaced by G.
Protein change: p.Val473Gly; replaces valine 473 with glycine.
Molecular consequence: missense variant.
Genome position (GRCh38, 1-based): chr15:89,281,206, T>G. VCF-style: chr15-89281206-T-G. GRCh37 (hg19) VCF-style: chr15-89824437-T-G.
Other names: c.1139T>G, p.Val380Gly (NM_001376910.1); c.1418T>G, p.Val473Gly (NM_001376911.1, NM_018193.3); short protein forms V473G, V380G.
Identifiers: ClinVar variation 581406 (VCV000581406.8), dbSNP rs200007225, ClinGen allele CA7723021.

ClinVar aggregate classification (germline): Uncertain significance. Review status: criteria provided, multiple submitters, no conflicts (2 of 4 stars). 5 submissions from 5 submitters: Uncertain significance (5). Last evaluated 2024-08-28.

Conditions:
Fanconi anemia (FA). Also called: Fanconi's anemia. Identifiers: Orphanet 84, MedGen C0015625, MeSH D005199, MONDO:0019391.
Fanconi anemia complementation group I (FANCI). Also called: FANCI-Related Fanconi Anemia. Identifiers: Orphanet 84, MedGen C1836861, MONDO:0012186, OMIM 609053.
Inborn genetic diseases. Identifiers: MedGen C0950123, MeSH D030342.

Allele frequency attached by ClinVar (database versions not stated): gnomAD exomes 0.00001 and 0.00002; gnomAD 0.00003 and 0.00004; ExAC 0.00004; ESP Exome Variant Server 0.00008; TOPMed 0.00008; 1000 Genomes Project 0.00040; 1000 Genomes Project 30x 0.00047.
gnomAD v4.1: 22 of 1,613,920 alleles (0.0014%); highest among the groups gnomAD compares: African/African-American, 0.028%; no homozygotes.

Submissions (5):

Ambry Genetics
Classification: Uncertain significance for Inborn genetic diseases. Last evaluated: 2024-08-28. Review status: criteria provided, single submitter. Criteria: Ambry Variant Classification Scheme 2023. Collection method: clinical testing. Allele origin: germline.

Blueprint Genetics
Classification: Uncertain significance. Last evaluated: 2024-01-08. Review status: criteria provided, single submitter. Criteria: ACMG Guidelines, 2015. Collection method: clinical testing. Allele origin: germline.

Sema4
Classification: Uncertain significance for Fanconi anemia. Last evaluated: 2022-01-09. Review status: criteria provided, single submitter. Criteria: Sema4 Curation Guidelines. Collection method: curation. Allele origin: germline.
Comment: The FANCI c.1418T>G (p.V473G) variant has not been reported in the literature to our knowledge. It was observed in 8/24968 chromosomes of the African/African American subpopulation in the large and broad cohorts of the Genome Aggregation Database (PMID: 32461654). This variant has been reported in ClinVar (Variation ID 581406). Functional studies have not been performed, and in silico predictions of the variant's effect on protein function are inconclusive. The evidence is insufficient to meet ACMG/AMP criteria for classifying the variant as benign or pathogenic. Thus, the clinical significance of this variant is currently uncertain.

Labcorp Genetics (formerly Invitae), Labcorp
Classification: Uncertain significance for Fanconi anemia. Last evaluated: 2021-12-13. Review status: criteria provided, single submitter. Criteria: Invitae Variant Classification Sherloc (09022015). Collection method: clinical testing. Allele origin: germline.
Comment: This sequence change replaces valine, which is neutral and non-polar, with glycine, which is neutral and non-polar, at codon 473 of the FANCI protein (p.Val473Gly). This variant is present in population databases (rs200007225, gnomAD 0.03%). This variant has not been reported in the literature in individuals affected with FANCI-related conditions. ClinVar contains an entry for this variant (Variation ID: 581406). Algorithms developed to predict the effect of missense changes on protein structure and function are either unavailable or do not agree on the potential impact of this missense change (SIFT: "Deleterious"; PolyPhen-2: "Possibly Damaging"; Align-GVGD: "Class C0"). In summary, the available evidence is currently insufficient to determine the role of this variant in disease. Therefore, it has been classified as a Variant of Uncertain Significance.

Fulgent Genetics
Classification: Uncertain significance for Fanconi anemia complementation group I. Last evaluated: 2021-07-08. Review status: criteria provided, single submitter. Criteria: ACMG Guidelines, 2015. Collection method: clinical testing. Allele origin: unknown.